The following is an entry in ClinVar:

ClinVar aggregate classification (germline): Uncertain significance. Review status: criteria provided, multiple submitters, no conflicts (2 of 4 stars). 2 submissions from 2 submitters: Uncertain significance (2). Last evaluated 2024-12-12.

Conditions:
Inborn genetic diseases. Identifiers: MedGen C0950123, MeSH D030342.

gnomAD v4.1: 1 of 1,614,122 alleles (0.000062%); highest among the groups gnomAD compares: Non-Finnish European, 0.000085%; no homozygotes.

Submissions (2):

Ambry Genetics
Classification: Uncertain significance for Inborn genetic diseases. Last evaluated: 2024-12-12. Review status: criteria provided, single submitter. Criteria: Ambry Variant Classification Scheme 2023. Collection method: clinical testing. Allele origin: germline.
Comment: The p.Y155C variant (also known as c.464A>G), located in coding exon 3 of the MBD4 gene, results from an A to G substitution at nucleotide position 464. The tyrosine at codon 155 is replaced by cysteine, an amino acid with highly dissimilar properties. This amino acid position is conserved. In addition, this alteration is predicted to be tolerated by in silico analysis. Based on the available evidence, the clinical significance of this variant remains unclear.

Labcorp Genetics (formerly Invitae), Labcorp
Classification: Uncertain significance. Last evaluated: 2024-04-05. Review status: criteria provided, single submitter. Criteria: Invitae Variant Classification Sherloc (09022015). Collection method: clinical testing. Allele origin: germline.
Comment: This sequence change replaces tyrosine, which is neutral and polar, with cysteine, which is neutral and slightly polar, at codon 155 of the MBD4 protein (p.Tyr155Cys). This variant is present in population databases (no rsID available, gnomAD no frequency). This variant has not been reported in the literature in individuals affected with MBD4-related conditions. Algorithms developed to predict the effect of missense changes on protein structure and function output the following: SIFT: "Not Available"; PolyPhen-2: "Benign"; Align-GVGD: "Not Available". The cysteine amino acid residue is found in multiple mammalian species, which suggests that this missense change does not adversely affect protein function. In summary, the available evidence is currently insufficient to determine the role of this variant in disease. Therefore, it has been classified as a Variant of Uncertain Significance.

NM_001276270.2(MBD4):c.464A>G (p.Tyr155Cys)

Gene: MBD4 (methyl-CpG binding domain 4, DNA glycosylase; minus strand). Cytogenetic location: 3q21.3.
Variant type: single nucleotide variant.
Coding change: c.464A>G on transcript NM_001276270.2 (MANE Select); coding-DNA position 464, A replaced by G.
Protein change: p.Tyr155Cys; replaces tyrosine 155 with cysteine.
Molecular consequence: missense variant. On other transcripts: intron variant (1).
Genome position (GRCh38, 1-based): chr3:129,437,180, T>C on the plus strand (A>G on the coding strand, the complement: MBD4 is on the minus strand). VCF-style: chr3-129437180-T-C. GRCh37 (hg19) VCF-style: chr3-129156023-T-C.
Other names: c.464A>G, p.Tyr155Cys (NM_001276271.2, NM_001276272.2, NM_003925.3); c.247+628A>G (NM_001276273.2); short protein forms Y155C.
Identifiers: ClinVar variation 3680646 (VCV003680646.3).